The following is an entry in ClinVar:

NM_033215.5(PPP1R3F):c.1321G>A (p.Glu441Lys)

Gene: PPP1R3F (protein phosphatase 1 regulatory subunit 3F; plus strand). Cytogenetic location: Xp11.23.
Variant type: single nucleotide variant.
Coding change: c.1321G>A on transcript NM_033215.5 (MANE Select); coding-DNA position 1321, G replaced by A.
Protein change: p.Glu441Lys; replaces glutamic acid 441 with lysine.
Molecular consequence: missense variant.
Genome position (GRCh38, 1-based): chrX:49,286,011, G>A. VCF-style: chrX-49286011-G-A. GRCh37 (hg19) VCF-style: chrX-49142473-G-A.
Other names: c.283G>A, p.Glu95Lys (NM_001184745.2); short protein forms E441K, E95K.
Identifiers: ClinVar variation 4875367 (VCV004875367.2).

ClinVar aggregate classification (germline): Uncertain significance (1 of 4 stars; one submission).

Submission:

CeGaT Center for Human Genetics Tuebingen
Classification: Uncertain significance. Last evaluated: 2026-06-01. Review status: criteria provided, single submitter. Criteria: CeGaT Center For Human Genetics Tuebingen Variant Classification Criteria Version 2. Collection method: clinical testing. Allele origin: germline. Affected: yes. Observed: 1 variant allele.
Comment: PPP1R3F: PM2